The following is an entry in ClinVar:

ClinVar aggregate classification (germline): Benign/Likely benign. Review status: criteria provided, multiple submitters, no conflicts (2 of 4 stars). 9 submissions from 9 submitters: Benign (5); Likely benign (2). 2 of the submissions do not count toward it. Last evaluated 2026-01-26.

Conditions:
DMD-related disorder. Also called: DMD-related condition.
Cardiovascular phenotype. Identifiers: MedGen CN230736.
Duchenne muscular dystrophy (DMD). Also called: MUSCULAR DYSTROPHY, PSEUDOHYPERTROPHIC PROGRESSIVE, DUCHENNE TYPE; Duchenne Muscular Dystrophy (DMD). Identifiers: Orphanet 98896, MedGen C0013264, MONDO:0010679, OMIM 310200.
Cardiomyopathy (CMYO). Also called: Cardiomyopathies. Identifiers: Orphanet 167848, MedGen C0878544, MONDO:0004994, HP:0001638. Inheritance: Various modes of inheritance.
Becker muscular dystrophy (BMD). Also called: MUSCULAR DYSTROPHY, PSEUDOHYPERTROPHIC PROGRESSIVE, BECKER TYPE; Becker Muscular Dystrophy (BMD). Identifiers: Orphanet 98895, MedGen C0917713, MONDO:0010311, OMIM 300376.
Dystrophin deficiency.

Allele frequency attached by ClinVar (database versions not stated): gnomAD 0.00001 and 0.00009; TOPMed 0.00002; gnomAD exomes 0.00043; ExAC 0.00059; 1000 Genomes Project 30x 0.00083; 1000 Genomes Project 0.00106.
gnomAD v4.1: 271 of 1,201,895 alleles (0.023%); highest among the groups gnomAD compares: South Asian, 0.47%; no homozygotes.

Submissions (9):

Labcorp Genetics (formerly Invitae), Labcorp
Classification: Benign for Duchenne muscular dystrophy. Last evaluated: 2026-01-26. Review status: criteria provided, single submitter. Criteria: Invitae Variant Classification Sherloc (09022015). Collection method: clinical testing. Allele origin: germline.

Blueprint Genetics
Classification: Likely benign. Last evaluated: 2024-10-23. Review status: criteria provided, single submitter. Criteria: ACMG Guidelines, 2015. Collection method: clinical testing. Allele origin: germline.

Women's Health and Genetics/Laboratory Corporation of America, LabCorp
Classification: Benign. Last evaluated: 2021-04-29. Review status: criteria provided, single submitter. Criteria: LabCorp Variant Classification Summary - May 2015. Collection method: clinical testing. Allele origin: germline.
Comment: Variant summary: DMD c.6140A>G (p.Gln2047Arg) results in a conservative amino acid change located in the Central rod domain: Repeat 16 (Actin binding - ABD2, DOVE database) of the encoded protein sequence. Five of five in-silico tools predict a benign effect of the variant on protein function. The variant allele was found at a frequency of 0.00043 in 179797 control chromosomes, predominantly at a frequency of 0.0041 within the South Asian subpopulation in the gnomAD database. The observed variant frequency within South Asian control individuals in the gnomAD database is approximately 372 fold of the estimated maximal expected allele frequency for a pathogenic variant in DMD causing Dystrophinopathies phenotype (1.1e-05), strongly suggesting that the variant is a benign polymorphism found primarily in populations of South Asian origin. To our knowledge, no occurrence of c.6140A>G in individuals affected with Dystrophinopathies and no experimental evidence demonstrating its impact on protein function have been reported. Three ClinVar submitters (evaluation after 2014) cite the variant as benign. Based on the evidence outlined above, the variant was classified as benign.

Ambry Genetics
Classification: Benign for Cardiovascular phenotype. Last evaluated: 2020-11-18. Review status: criteria provided, single submitter. Criteria: Ambry Variant Classification Scheme 2023. Collection method: clinical testing. Allele origin: germline.

GeneDx
Classification: Likely benign. Last evaluated: 2019-12-03. Review status: criteria provided, single submitter. Criteria: GeneDx Variant Classification Process June 2021. Collection method: clinical testing. Allele origin: germline. Affected: yes.

ARUP Laboratories, Molecular Genetics and Genomics, ARUP Laboratories
Classification: Benign. Last evaluated: 2017-03-21. Review status: criteria provided, single submitter. Criteria: ARUP Molecular Germline Variant Investigation Process. Collection method: clinical testing. Allele origin: germline.

Eurofins Ntd Llc (ga)
Classification: Benign. Last evaluated: 2016-08-10. Review status: criteria provided, single submitter. Criteria: EGL Classification Definitions 2015. Collection method: clinical testing. Allele origin: germline. Observed: 1 variant allele, 1 hemizygote.

Natera, Inc.
Classification: Likely benign for Becker muscular dystrophy; Cardiomyopathy; Duchenne muscular dystrophy; Dystrophin deficiency. Last evaluated: 2020-04-18. Review status: no assertion criteria provided. Collection method: clinical testing. Allele origin: germline. Not counted in ClinVar's aggregate classification.

PreventionGenetics, part of Exact Sciences
Classification: Benign for DMD-related condition. Last evaluated: 2019-06-12. Review status: no assertion criteria provided. Collection method: clinical testing. Allele origin: germline. Not counted in ClinVar's aggregate classification.
Comment: This variant is classified as benign based on ACMG/AMP sequence variant interpretation guidelines (Richards et al. 2015 PMID: 25741868, with internal and published modifications).

NM_004006.3(DMD):c.6140A>G (p.Gln2047Arg)

Gene: DMD (dystrophin; minus strand). Cytogenetic location: Xp21.1.
Variant type: single nucleotide variant.
Coding change: c.6140A>G on transcript NM_004006.3 (MANE Select); coding-DNA position 6140, A replaced by G.
Protein change: p.Gln2047Arg; replaces glutamine 2047 with arginine.
Molecular consequence: missense variant.
Genome position (GRCh38, 1-based): chrX:32,287,679, T>C on the plus strand (A>G on the coding strand, the complement: DMD is on the minus strand). VCF-style: chrX-32287679-T-C. GRCh37 (hg19) VCF-style: chrX-32305796-T-C.
Other names: c.6116A>G, p.Gln2039Arg (NM_000109.4); c.6128A>G, p.Gln2043Arg (NM_004009.3); c.5771A>G, p.Gln1924Arg (NM_004010.3); c.2117A>G, p.Gln706Arg (NM_004011.4); c.2108A>G, p.Gln703Arg (NM_004012.4); short protein forms Q2047R, Q703R, Q706R, Q1924R, Q2039R, Q2043R.
Identifiers: ClinVar variation 290206 (VCV000290206.30), dbSNP rs773782786, ClinGen allele CA10378523.